The following is an entry in ClinVar:

ClinVar aggregate classification (germline): Uncertain significance (1 of 4 stars; one submission).

Submission:

Ambry Genetics
Classification: Uncertain significance. Last evaluated: 2025-04-18. Review status: criteria provided, single submitter. Criteria: Ambry Variant Classification Scheme 2023. Collection method: clinical testing. Allele origin: germline.
Comment: The p.I200M variant (also known as c.600C>G), located in coding exon 3 of the GALNT12 gene, results from a C to G substitution at nucleotide position 600. The isoleucine at codon 200 is replaced by methionine, an amino acid with highly similar properties. This amino acid position is conserved. In addition, the in silico prediction for this alteration is inconclusive. Since supporting evidence is limited at this time, the clinical significance of this alteration remains unclear.

NM_024642.5(GALNT12):c.600C>G (p.Ile200Met)

Gene: GALNT12 (polypeptide N-acetylgalactosaminyltransferase 12; plus strand). Cytogenetic location: 9q22.33.
Variant type: single nucleotide variant.
Coding change: c.600C>G on transcript NM_024642.5 (MANE Select); coding-DNA position 600, C replaced by G.
Protein change: p.Ile200Met; replaces isoleucine 200 with methionine.
Molecular consequence: missense variant.
Genome position (GRCh38, 1-based): chr9:98,826,810, C>G. VCF-style: chr9-98826810-C-G. GRCh37 (hg19) VCF-style: chr9-101589092-C-G.
Other names: short protein forms I200M.
Identifiers: ClinVar variation 1751058 (VCV001751058.3), dbSNP rs1285613170, ClinGen allele CA374217461.